The following is an entry in ClinVar:

NM_000057.4(BLM):c.542G>T (p.Ser181Ile)

Gene: BLM (BLM RecQ like helicase; plus strand). Cytogenetic location: 15q26.1.
Variant type: single nucleotide variant.
Coding change: c.542G>T on transcript NM_000057.4 (MANE Select); coding-DNA position 542, G replaced by T.
Protein change: p.Ser181Ile; replaces serine 181 with isoleucine.
Molecular consequence: missense variant. On other transcripts: 5 prime UTR variant (1).
Genome position (GRCh38, 1-based): chr15:90,749,810, G>T. VCF-style: chr15-90749810-G-T. GRCh37 (hg19) VCF-style: chr15-91293040-G-T.
Other names: p.S181I:AGC>ATC; c.542G>T, p.Ser181Ile (NM_001287246.2, NM_001287247.2); c.-750G>T (NM_001287248.2); c.542G>T (LRG_20t1); short protein forms S181I.
Identifiers: ClinVar variation 127512 (VCV000127512.25), dbSNP rs587779893, ClinGen allele CA287139.
Genomic context (GRCh38, chr15:90,749,810, plus strand): 5'-ATACTTCTGAGACTTCAAAATCATTTGTTACACCACCCCAAAGTCACTTTGTAAGAGTAA[G>T]CACTGCTCAGAAATCAAAAAAGGGTAAGAGAAACTTTTTTAAAGCACAGCTTTATACAAC-3'
Protein context (NP_000048.1, residues 171-191): TPPQSHFVRV[Ser181Ile]TAQKSKKGKR

ClinVar aggregate classification (germline): Uncertain significance. Review status: criteria provided, multiple submitters, no conflicts (2 of 4 stars). 9 submissions from 9 submitters: Uncertain significance (8). 1 of the submissions does not count toward it. Last evaluated 2025-12-22.

Conditions:
Hereditary cancer-predisposing syndrome. Also called: Hereditary Cancer Syndrome; Hereditary neoplastic syndrome; Tumor predisposition; Neoplastic Syndromes, Hereditary. Identifiers: Orphanet 140162, MedGen C0027672, MeSH D009386, MONDO:0015356.
Bloom syndrome (BLM). Also called: Bloom-Torre-Machacek syndrome. Identifiers: Orphanet 125, MedGen C0005859, MONDO:0008876, OMIM 210900.

Allele frequency attached by ClinVar (database versions not stated): ExAC 0.00003; gnomAD exomes 0.00004 and 0.00007; gnomAD 0.00006; TOPMed 0.00006.
gnomAD v4.1: 114 of 1,602,790 alleles (0.0071%); highest among the groups gnomAD compares: Non-Finnish European, 0.0094%; no homozygotes.

Submissions (9):

Labcorp Genetics (formerly Invitae), Labcorp
Classification: Uncertain significance for Bloom syndrome. Last evaluated: 2025-12-22. Review status: criteria provided, single submitter. Criteria: Invitae Variant Classification Sherloc (09022015). Collection method: clinical testing. Allele origin: germline.
Comment: This sequence change replaces serine, which is neutral and polar, with isoleucine, which is neutral and non-polar, at codon 181 of the BLM protein (p.Ser181Ile). This variant is present in population databases (rs587779893, gnomAD 0.008%). This variant has not been reported in the literature in individuals affected with BLM-related conditions. ClinVar contains an entry for this variant (Variation ID: 127512). An algorithm developed to predict the effect of missense changes on protein structure and function (PolyPhen-2) suggests that this variant is likely to be disruptive. In summary, the available evidence is currently insufficient to determine the role of this variant in disease. Therefore, it has been classified as a Variant of Uncertain Significance.

Ambry Genetics
Classification: Uncertain significance for Hereditary cancer-predisposing syndrome. Last evaluated: 2025-05-31. Review status: criteria provided, single submitter. Criteria: Ambry Variant Classification Scheme 2023. Collection method: clinical testing. Allele origin: germline.
Comment: The p.S181I variant (also known as c.542G>T), located in coding exon 2 of the BLM gene, results from a G to T substitution at nucleotide position 542. The serine at codon 181 is replaced by isoleucine, an amino acid with dissimilar properties. This amino acid position is well conserved in available vertebrate species. In addition, this alteration is predicted to be tolerated by in silico analysis. Since supporting evidence is limited at this time, the clinical significance of this alteration remains unclear.

Quest Diagnostics Nichols Institute San Juan Capistrano
Classification: Uncertain significance. Last evaluated: 2023-09-21. Review status: criteria provided, single submitter. Criteria: Quest Diagnostics criteria. Collection method: clinical testing. Allele origin: unknown.
Comment: This variant has not been reported in the published literature. The frequency of this variant in the general population, 0.000079 (10/126474 chromosomes (Genome Aggregation Database)), is uninformative in the assessment of its pathogenicity. Analysis of this variant using bioinformatics tools for the prediction of the effect of amino acid changes on protein structure and function yielded conflicting predictions that this variant is benign or damaging. Based on the available information, we are unable to determine the clinical significance of this variant.

GeneDx
Classification: Uncertain significance. Last evaluated: 2023-07-11. Review status: criteria provided, single submitter. Criteria: GeneDx Variant Classification Process June 2021. Collection method: clinical testing. Allele origin: germline. Affected: yes.
Comment: Has not been previously published as pathogenic or benign to our knowledge; Not observed at significant frequency in large population cohorts (gnomAD); In silico analysis supports that this missense variant does not alter protein structure/function

St. Jude Molecular Pathology, St. Jude Children's Research Hospital
Classification: Uncertain significance for Bloom syndrome. Last evaluated: 2023-03-27. Review status: criteria provided, single submitter. Criteria: St. Jude Assertion Criteria 2020. Collection method: clinical testing. Allele origin: germline.
Comment: The BLM c.542G>T (p.Ser181Ile) missense change has a maximum subpopulation frequency of 0.0079% in gnomAD v2.1.1. The in silico tool REVEL predicts a benign effect on protein function, but to our knowledge this prediction has not been confirmed by functional studies. To our knowledge, this variant has not been reported in individuals with Bloom syndrome.  In summary, the evidence currently available is insufficient to determine the clinical significance of this variant. It has therefore been classified as of uncertain significance.

Women's Health and Genetics/Laboratory Corporation of America, LabCorp
Classification: Uncertain significance. Last evaluated: 2022-07-17. Review status: criteria provided, single submitter. Criteria: LabCorp Variant Classification Summary - May 2015. Collection method: clinical testing. Allele origin: germline.

Institute for Clinical Genetics, University Hospital TU Dresden, University Hospital TU Dresden
Classification: Uncertain significance. Last evaluated: 2021-11-03. Review status: criteria provided, single submitter. Criteria: ACMG Guidelines, 2015. Collection method: clinical testing. Allele origin: germline.

Sema4
Classification: Uncertain significance for Hereditary cancer-predisposing syndrome. Last evaluated: 2021-04-08. Review status: criteria provided, single submitter. Criteria: Sema4 Curation Guidelines. Collection method: curation. Allele origin: germline.
Comment: The BLM c.542G>T (p.S181I) variant has not been reported in the literature to our knowledge. It was observed in 10/126474 chromosomes, with 0 homozygotes, of the Non-Finnish European subpopulation in the large and broad cohorts of the Genome Aggregation Database (PMID: 32461654). The variant has been reported in ClinVar (Variation ID: 127512). In silico tools suggest the impact of the variant on protein function is inconclusive, though these predictions have not been confirmed by functional studies. The evidence is insufficient to meet ACMG/AMP criteria for classifying the variant as benign or pathogenic. Thus, the clinical significance of this variant is currently uncertain.

Natera, Inc.
Classification: Uncertain significance for Bloom syndrome. Last evaluated: 2018-06-02. Review status: no assertion criteria provided. Collection method: clinical testing. Allele origin: germline. Not counted in ClinVar's aggregate classification.